The following is an entry in ClinVar:

NM_007294.4(BRCA1):c.4901G>C (p.Arg1634Thr)

Gene: BRCA1 (BRCA1 DNA repair associated; minus strand). Cytogenetic location: 17q21.31.
Variant type: single nucleotide variant.
Coding change: c.4901G>C on transcript NM_007294.4 (MANE Select); coding-DNA position 4901, G replaced by C.
Protein change: p.Arg1634Thr; replaces arginine 1634 with threonine.
Molecular consequence: missense variant. On other transcripts: non-coding transcript variant (1).
Genome position (GRCh38, 1-based): chr17:43,071,013, C>G on the plus strand (G>C on the coding strand, the complement: BRCA1 is on the minus strand). VCF-style: chr17-43071013-C-G. GRCh37 (hg19) VCF-style: chr17-41223030-C-G.
Other names: c.4688G>C, p.Arg1563Thr (NM_001407571.1, NM_001407894.1, NM_001407895.1 and 12 more transcripts); c.4967G>C, p.Arg1656Thr (NM_001407581.1, NM_001407582.1); c.4964G>C, p.Arg1655Thr (NM_001407583.1, NM_001407585.1, NM_001407587.1 and 1 more transcripts); c.4961G>C, p.Arg1654Thr (NM_001407590.1, NM_001407591.1); c.4901G>C, p.Arg1634Thr (NM_001407593.1, NM_001407594.1, NM_001407596.1 and 8 more transcripts); c.4898G>C, p.Arg1633Thr (NM_001407620.1, NM_001407621.1, NM_001407622.1 and 17 more transcripts); c.4895G>C, p.Arg1632Thr (NM_001407627.1, NM_001407628.1, NM_001407639.1 and 14 more transcripts); c.4892G>C, p.Arg1631Thr (NM_001407644.1, NM_001407645.1); and 70 more; short protein forms R1655T, R1587T, R530T, R1634T, R464T, R488T, R528T, R531T.
Identifiers: ClinVar variation 868385 (VCV000868385.3), dbSNP rs1489040931, ClinGen allele CA10591722.

Conditions:
Breast-ovarian cancer, familial, susceptibility to, 1 (BROVCA1). Also called: BRCA1 Hereditary Breast and Ovarian Cancer; OVARIAN CANCER, SUSCEPTIBILITY TO. Identifiers: Orphanet 145, MedGen C2676676, MONDO:0011450, OMIM 604370. Disease mechanism: loss of function.

Submission:

Brotman Baty Institute, University of Washington
No classification provided (evidence only). Condition: Breast-ovarian cancer, familial 1. Review status: no classification provided. Collection method: in vitro. Allele origin: not applicable. Functional consequence: functionally_normal.
ClinVar note: "not provided" was previously submitted as the classification for the variant. However, the classification appeared to be based only on an observation of functional data so it was converted to no classification on 2025-07-30.